The following is an entry in ClinVar:

ClinVar aggregate classification (germline): Conflicting classifications of pathogenicity. Review status: criteria provided, conflicting classifications (1 of 4 stars). 8 submissions from 8 submitters: Uncertain significance (4); Likely benign (4). Last evaluated 2026-01-21.

Conditions:
Inborn genetic diseases. Identifiers: MedGen C0950123, MeSH D030342.
Generalized epilepsy with febrile seizures plus, type 7 (GEFSP7). Also called: GEFS+, TYPE 7. Identifiers: Orphanet 36387, MedGen C2751778, MONDO:0013470, OMIM 613863.
Neuropathy, hereditary sensory and autonomic, type 2A (HSAN2A). Also called: WNK1-Related HSAN2 (HSAN2A); ACROOSTEOLYSIS, GIACCAI TYPE; ACROOSTEOLYSIS, NEUROGENIC; HSAN IIA; MORVAN DISEASE; NEUROPATHY, CONGENITAL SENSORY. Identifiers: Orphanet 970, MedGen C2752089, MONDO:0024309, OMIM 201300.
SCN9A-related disorder. Also called: SCN9A-related disorders; SCN9A-related condition.

Allele frequency attached by ClinVar (database versions not stated): gnomAD exomes 0.00020; 1000 Genomes Project 0.00060; TOPMed 0.00079; gnomAD 0.00081 and 0.00073; ExAC 0.00019; ESP Exome Variant Server 0.00058; 1000 Genomes Project 30x 0.00047.
gnomAD v4.1: 242 of 1,612,588 alleles (0.015%); highest among the groups gnomAD compares: African/African-American, 0.22%; 1 homozygote.

Submissions (8):

PreventionGenetics, part of Exact Sciences
Classification: Likely benign for SCN9A-related condition. Last evaluated: 2026-01-21. Review status: criteria provided, single submitter. Criteria: ACMG Guidelines, 2015. Collection method: clinical testing. Allele origin: germline.
Comment: This variant is classified as likely benign based on ACMG/AMP sequence variant interpretation guidelines (Richards et al. 2015 PMID: 25741868, with internal and published modifications).

Labcorp Genetics (formerly Invitae), Labcorp
Classification: Likely benign for Neuropathy, hereditary sensory and autonomic, type 2A; Generalized epilepsy with febrile seizures plus, type 7. Last evaluated: 2026-01-19. Review status: criteria provided, single submitter. Criteria: Invitae Variant Classification Sherloc (09022015). Collection method: clinical testing. Allele origin: germline.

GeneDx
Classification: Uncertain significance. Last evaluated: 2024-10-02. Review status: criteria provided, single submitter. Criteria: GeneDx Variant Classification Process June 2021. Collection method: clinical testing. Allele origin: germline. Affected: yes.
Comment: In silico analysis supports that this missense variant has a deleterious effect on protein structure/function; Has not been previously published as pathogenic or benign to our knowledge

Women's Health and Genetics/Laboratory Corporation of America, LabCorp
Classification: Likely benign. Last evaluated: 2024-06-26. Review status: criteria provided, single submitter. Criteria: LabCorp Variant Classification Summary - May 2015. Collection method: clinical testing. Allele origin: germline.
Comment: Variant summary: SCN9A c.3370C>T (p.Pro1124Ser) results in a non-conservative amino acid change located in the sodium ion transport-associated domain (IPR010526) of the encoded protein sequence. Three of five in-silico tools predict a damaging effect of the variant on protein function. The variant allele was found at a frequency of 0.00015 in 1612588 control chromosomes, predominantly at a frequency of 0.0022 within the African or African-American subpopulation in the gnomAD database, including 1 homozygote (gnomAD v4.1.0). The observed variant frequency within African or African-American control individuals in the gnomAD database is approximately 2 - fold of the estimated maximal expected allele frequency for a pathogenic variant in SCN9A causing channelopathy-associated congenital insensitivity to pain, autosomal recessive phenotype (0.0011). To our knowledge, no occurrence of c.3370C>T in individuals affected with channelopathy-associated congenital insensitivity to pain and no experimental evidence demonstrating its impact on protein function have been reported. ClinVar contains an entry for this variant (Variation ID: 167658). Based on the evidence outlined above, the variant was classified as likely benign.

Athena Diagnostics
Classification: Uncertain significance. Last evaluated: 2024-06-06. Review status: criteria provided, single submitter. Criteria: Athena Diagnostics Criteria. Collection method: clinical testing. Allele origin: unknown.

Ambry Genetics
Classification: Likely benign for Inborn genetic diseases. Last evaluated: 2021-07-26. Review status: criteria provided, single submitter. Criteria: Ambry Variant Classification Scheme 2023. Collection method: clinical testing. Allele origin: germline.

Revvity Omics, Revvity
Classification: Uncertain significance. Last evaluated: 2019-11-06. Review status: criteria provided, single submitter. Criteria: ACMG Guidelines, 2015. Collection method: clinical testing. Allele origin: germline.

Eurofins Ntd Llc (ga)
Classification: Uncertain significance. Last evaluated: 2014-04-15. Review status: criteria provided, single submitter. Criteria: EGL Classification Definitions 2015. Collection method: clinical testing. Allele origin: germline. Observed: 2 variant alleles, 2 heterozygotes.

NM_001365536.1(SCN9A):c.3403C>T (p.Pro1135Ser)

Genes: SCN1A-AS1 (SCN1A and SCN9A antisense RNA 1; plus strand), SCN9A (sodium voltage-gated channel alpha subunit 9; minus strand). Cytogenetic location: 2q24.3.
Variant type: single nucleotide variant.
Coding change: c.3403C>T on transcript NM_001365536.1 (MANE Select); coding-DNA position 3403, C replaced by T.
Protein change: p.Pro1135Ser; replaces proline 1135 with serine.
Molecular consequence: missense variant. On other transcripts: non-coding transcript variant (1).
Genome position (GRCh38, 1-based): chr2:166,251,834, G>A on the plus strand (C>T on the coding strand, the complement: SCN9A is on the minus strand). VCF-style: chr2-166251834-G-A. GRCh37 (hg19) VCF-style: chr2-167108344-G-A.
Other names: c.3370C>T, p.Pro1124Ser (NM_002977.4); short protein forms P1135S.
Identifiers: ClinVar variation 167658 (VCV000167658.29), dbSNP rs184563685, ClinGen allele CA234896.